The following is an entry in ClinVar:

NM_004991.4(MECOM):c.2134G>T (p.Asp712Tyr)

Gene: MECOM (MDS1 and EVI1 complex locus; minus strand). Cytogenetic location: 3q26.2.
Variant type: single nucleotide variant.
Coding change: c.2134G>T on transcript NM_004991.4 (MANE Select); coding-DNA position 2134, G replaced by T.
Protein change: p.Asp712Tyr; replaces aspartic acid 712 with tyrosine.
Molecular consequence: missense variant.
Genome position (GRCh38, 1-based): chr3:169,115,738, C>A on the plus strand (G>T on the coding strand, the complement: MECOM is on the minus strand). VCF-style: chr3-169115738-C-A. GRCh37 (hg19) VCF-style: chr3-168833526-C-A.
Other names: c.1765G>T, p.Asp589Tyr (NM_001105077.4); c.1570G>T, p.Asp524Tyr (NM_001105078.4, NM_001164000.2, NM_001205194.2 and 4 more transcripts); c.1573G>T, p.Asp525Tyr (NM_001163999.2, NM_001366467.2, NM_001366468.2 and 1 more transcripts); c.2134G>T, p.Asp712Tyr (NM_001366466.2); c.1162G>T, p.Asp388Tyr (NM_001366473.2); c.598G>T, p.Asp200Tyr (NM_001366474.2); short protein forms D589Y, D525Y, D200Y, D388Y, D524Y, D712Y.
Identifiers: ClinVar variation 4624702 (VCV004624702.1).

ClinVar aggregate classification (germline): Uncertain significance (1 of 4 stars; one submission).

Conditions:
Inborn genetic diseases. Identifiers: MedGen C0950123, MeSH D030342.

Submission:

Ambry Genetics
Classification: Uncertain significance for Inborn genetic diseases. Last evaluated: 2025-11-23. Review status: criteria provided, single submitter. Criteria: Ambry Variant Classification Scheme 2023. Collection method: clinical testing. Allele origin: germline.
Comment: The p.D712Y variant (also known as c.2134G>T), located in coding exon 8 of the MECOM gene, results from a G to T substitution at nucleotide position 2134. The aspartic acid at codon 712 is replaced by tyrosine, an amino acid with highly dissimilar properties. This amino acid position is conserved. In addition, the in silico prediction for this alteration is inconclusive. Based on the available evidence, the clinical significance of this variant remains unclear.